The following is an entry in ClinVar:

ClinVar aggregate classification (germline): Uncertain significance (1 of 4 stars; one submission).

Conditions:
Neuropathy, hereditary sensory and autonomic, type 2A (HSAN2A). Also called: HSAN IIA; WNK1-Related HSAN2 (HSAN2A); ACROOSTEOLYSIS, GIACCAI TYPE; ACROOSTEOLYSIS, NEUROGENIC; MORVAN DISEASE; NEUROPATHY, CONGENITAL SENSORY. Identifiers: Orphanet 970, MedGen C2752089, MONDO:0024309, OMIM 201300.
Pseudohypoaldosteronism type 2C (PHA2C). Also called: Pseudohypoaldosteronism Type IIC. Identifiers: Orphanet 757, Orphanet 88940, MedGen C1840391, MONDO:0013778, OMIM 614492.

Allele frequency attached by ClinVar (database versions not stated): TOPMed 0.00002; ExAC 0.00006.
gnomAD v4.1: 20 of 1,614,180 alleles (0.0012%); highest among the groups gnomAD compares: Non-Finnish European, 0.0016%; no homozygotes.

Submission:

Labcorp Genetics (formerly Invitae), Labcorp
Classification: Uncertain significance for Neuropathy, hereditary sensory and autonomic, type 2A; Pseudohypoaldosteronism type 2C. Last evaluated: 2024-07-08. Review status: criteria provided, single submitter. Criteria: Invitae Variant Classification Sherloc (09022015). Collection method: clinical testing. Allele origin: germline.
Comment: This sequence change replaces proline, which is neutral and non-polar, with arginine, which is basic and polar, at codon 1590 of the WNK1 protein (p.Pro1590Arg). This variant is present in population databases (rs779292951, gnomAD 0.006%). This variant has not been reported in the literature in individuals affected with WNK1-related conditions. ClinVar contains an entry for this variant (Variation ID: 1985118). Advanced modeling of protein sequence and biophysical properties (such as structural, functional, and spatial information, amino acid conservation, physicochemical variation, residue mobility, and thermodynamic stability) performed at Invitae indicates that this missense variant is not expected to disrupt WNK1 protein function with a negative predictive value of 95%. In summary, the available evidence is currently insufficient to determine the role of this variant in disease. Therefore, it has been classified as a Variant of Uncertain Significance.

NM_018979.4(WNK1):c.4013C>G (p.Pro1338Arg)

Gene: WNK1 (WNK lysine deficient protein kinase 1; plus strand). Cytogenetic location: 12p13.33.
Variant type: single nucleotide variant.
Coding change: c.4013C>G on transcript NM_018979.4 (MANE Select); coding-DNA position 4013, C replaced by G.
Protein change: p.Pro1338Arg; replaces proline 1338 with arginine.
Molecular consequence: missense variant.
Genome position (GRCh38, 1-based): chr12:884,817, C>G. VCF-style: chr12-884817-C-G. GRCh37 (hg19) VCF-style: chr12-993983-C-G.
Other names: c.4793C>G, p.Pro1598Arg (NM_001184985.2); c.3272C>G, p.Pro1091Arg (NM_014823.3); c.4769C>G, p.Pro1590Arg (NM_213655.5); short protein forms P1091R, P1590R, P1338R, P1598R.
Identifiers: ClinVar variation 1985118 (VCV001985118.4), dbSNP rs779292951, ClinGen allele CA6382904.